The following is an entry in ClinVar:

NM_170784.3(MKKS):c.986-1G>A

Gene: MKKS (MKKS centrosomal shuttling protein; minus strand). Cytogenetic location: 20p12.2.
Variant type: single nucleotide variant.
Coding change: c.986-1G>A on transcript NM_170784.3 (MANE Select); the canonical splice acceptor site of the intron before coding-DNA position 986, G replaced by A.
Molecular consequence: splice acceptor variant.
Genome position (GRCh38, 1-based): chr20:10,408,804, C>T on the plus strand (G>A on the coding strand, the complement: MKKS is on the minus strand). VCF-style: chr20-10408804-C-T. GRCh37 (hg19) VCF-style: chr20-10389452-C-T.
Other names: c.986-1G>A (NM_018848.3).
Identifiers: ClinVar variation 1179069 (VCV001179069.3), dbSNP rs200633158, ClinGen allele CA9763580.
Genomic context (GRCh38, chr20:10,408,804, plus strand): 5'-CTTTCACACTTCCATAACTATTAGGACATATTGAGCCTAGGGATCCAATAGGCTGTGTTC[C>T]TATTTTTTAAAGATTAGAAAATACAAGTTGTATAAGCAAAAGTGGAGCAAACAACCATTT-3'

ClinVar aggregate classification (germline): Pathogenic. Review status: criteria provided, multiple submitters, no conflicts (2 of 4 stars). 2 submissions from 2 submitters: Pathogenic (2). Last evaluated 2023-08-17.

Conditions:
Bardet-Biedl syndrome 6 (BBS6). Identifiers: Orphanet 110, MedGen C1858054, MONDO:0011523, OMIM 605231.
McKusick-Kaufman syndrome (MKKS). Also called: HYDROMETROCOLPOS SYNDROME; HYDROMETROCOLPOS, POSTAXIAL POLYDACTYLY, AND CONGENITAL HEART MALFORMATION. Identifiers: Orphanet 2473, MedGen C0948368, MONDO:0009367, OMIM 236700.

Allele frequency attached by ClinVar (database versions not stated): gnomAD exomes below 0.00001 and 0.00001; ExAC 0.00001.
gnomAD v4.1: 4 of 1,609,330 alleles (0.00025%); highest among the groups gnomAD compares: East Asian, 0.0089%; no homozygotes.

Submissions (2):

3billion
Classification: Pathogenic for Bardet-Biedl syndrome 6. Last evaluated: 2023-08-17. Review status: criteria provided, single submitter. Criteria: ACMG Guidelines, 2015. Collection method: clinical testing. Allele origin: germline. Affected: yes.
Comment: The variant is observed at an extremely low frequency in the gnomAD v2.1.1 dataset (total allele frequency: 0.001%). Predicted Consequence/Location: Canonical splice site: predicted to alter splicing and result in a loss or disruption of normal protein function. Multiple pathogenic loss-of-function variants are reported downstream of the variant. The variant has been reported to be associated with MKKS related disorder (ClinVar ID: VCV001179069 /PMID: 26968886). Therefore, this variant is classified as Pathogenic according to the recommendation of ACMG/AMP guideline.

Fulgent Genetics
Classification: Pathogenic for McKusick-Kaufman syndrome; Bardet-Biedl syndrome 6. Last evaluated: 2021-06-30. Review status: criteria provided, single submitter. Criteria: ACMG Guidelines, 2015. Collection method: clinical testing. Allele origin: unknown.
Comment: This variant has been detected in individual(s) who were sent for testing of Renasight - kidney gene panel.

Literature cited by the submitters: PubMed 26968886 (cited by 3billion).